The following is an entry in ClinVar:

NM_080732.4(EGLN2):c.428A>G (p.Glu143Gly)

Genes: EGLN2 (egl-9 family hypoxia inducible factor 2; plus strand), RAB4B-EGLN2 (RAB4B-EGLN2 readthrough (NMD candidate); plus strand). Cytogenetic location: 19q13.2.
Variant type: single nucleotide variant.
Coding change: c.428A>G on transcript NM_080732.4 (MANE Select); coding-DNA position 428, A replaced by G.
Protein change: p.Glu143Gly; replaces glutamic acid 143 with glycine.
Molecular consequence: missense variant. On other transcripts: non-coding transcript variant (1).
Genome position (GRCh38, 1-based): chr19:40,801,000, A>G. VCF-style: chr19-40801000-A-G. GRCh37 (hg19) VCF-style: chr19-41306905-A-G.
Other names: c.428A>G, p.Glu143Gly (NM_053046.4); short protein forms E143G.
Identifiers: ClinVar variation 1739404 (VCV001739404.3), dbSNP rs768997902, ClinGen allele CA9452214.

ClinVar aggregate classification (germline): Uncertain significance (1 of 4 stars; one submission).

Allele frequency attached by ClinVar (database versions not stated): gnomAD 0.00001; gnomAD exomes 0.00001; TOPMed 0.00001; ExAC 0.00003.
gnomAD v4.1: 8 of 1,612,874 alleles (0.0005%); highest among the groups gnomAD compares: Admixed American, 0.012%; no homozygotes.

Submission:

Ambry Genetics
Classification: Uncertain significance. Last evaluated: 2024-10-20. Review status: criteria provided, single submitter. Criteria: Ambry Variant Classification Scheme 2023. Collection method: clinical testing. Allele origin: germline.
Comment: The p.E143G variant (also known as c.428A>G), located in coding exon 1 of the EGLN2 gene, results from an A to G substitution at nucleotide position 428. The glutamic acid at codon 143 is replaced by glycine, an amino acid with similar properties. This amino acid position is conserved. In addition, this alteration is predicted to be tolerated by in silico analysis. Since supporting evidence is limited at this time, the clinical significance of this alteration remains unclear.